The following is an entry in ClinVar:

ClinVar aggregate classification (germline): Uncertain significance (1 of 4 stars; one submission).

Submission:

Labcorp Genetics (formerly Invitae), Labcorp
Classification: Uncertain significance. Last evaluated: 2025-12-19. Review status: criteria provided, single submitter. Criteria: Invitae Variant Classification Sherloc (09022015). Collection method: clinical testing. Allele origin: germline.
Comment: This variant, c.3409_3411del, results in the deletion of 1 amino acid(s) of the C3 protein (p.Asn1137del), but otherwise preserves the integrity of the reading frame. This variant is not present in population databases (gnomAD no frequency). This variant has not been reported in the literature in individuals affected with C3-related conditions. Experimental studies and prediction algorithms are not available or were not evaluated, and the functional significance of this variant is currently unknown. In summary, the available evidence is currently insufficient to determine the role of this variant in disease. Therefore, it has been classified as a Variant of Uncertain Significance.

NM_000064.4(C3):c.3403AAC[2] (p.Asn1137del)

Gene: C3 (complement C3; minus strand). Cytogenetic location: 19p13.3.
Variant type: Microsatellite.
Coding change: c.3403AAC[2] on transcript NM_000064.4 (MANE Select); two copies in a row of the 3-base unit AAC starting at c.3403; the reference has three copies in a row; one copy, 3 bases deleted.
Protein change: p.Asn1137del; deletes asparagine 1137.
Molecular consequence: inframe deletion.
Genome position (GRCh38, 1-based): chr19:6,690,707-6,690,709, GTT deleted on the plus strand (AAC on the coding strand, the reverse complement: C3 is on the minus strand); deleting any 3 consecutive bases within chr19:6,690,707-6,690,715 gives the same sequence; the position shown is the placement nearest the transcript's 3' end. VCF-style (leftmost placement, unchanged base first): chr19-6690706-CGTT-C. GRCh37 (hg19) VCF-style: chr19-6690717-CGTT-C.
Other names: short protein forms N1137del.
Identifiers: ClinVar variation 1931665 (VCV001931665.5), dbSNP rs1265457425, ClinGen allele CA884135347.